The following is an entry in ClinVar:

NM_006506.5(RASA2):c.4GCG[3] (p.Ala5del)

Genes: RASA2 (RAS p21 protein activator 2; plus strand), LOC129937686 (ATAC-STARR-seq lymphoblastoid silent region 14777; plus strand). Cytogenetic location: 3q23.
Variant type: Microsatellite.
Coding change: c.4GCG[3] on transcript NM_006506.5 (MANE Select); three copies in a row of the 3-base unit GCG starting at c.4; the reference has four copies in a row; one copy, 3 bases deleted.
Protein change: p.Ala5del; deletes alanine 5.
Molecular consequence: initiator codon variant.
Genome position (GRCh38, 1-based): chr3:141,487,096-141,487,098, GCG deleted; deleting any 3 consecutive bases within chr3:141,487,086-141,487,098 gives the same sequence; the position shown is the placement nearest the transcript's 3' end. VCF-style (leftmost placement, unchanged base first): chr3-141487085-TGGC-T. GRCh37 (hg19) VCF-style: chr3-141205927-TGGC-T.
Other names: c.4GCG[3], p.Ala5del (NM_001303245.3, NM_001303246.3); short protein forms A5del.
Identifiers: ClinVar variation 3709536 (VCV003709536.2).

ClinVar aggregate classification (germline): Uncertain significance (1 of 4 stars; one submission).

Submission:

Labcorp Genetics (formerly Invitae), Labcorp
Classification: Uncertain significance. Last evaluated: 2024-11-15. Review status: criteria provided, single submitter. Criteria: Invitae Variant Classification Sherloc (09022015). Collection method: clinical testing. Allele origin: germline.
Comment: This variant, c.13_15del, results in the deletion of 1 amino acid(s) of the RASA2 protein (p.Ala5del), but otherwise preserves the integrity of the reading frame. The frequency data for this variant in the population databases is considered unreliable, as metrics indicate poor data quality at this position in the gnomAD database. This variant has not been reported in the literature in individuals affected with RASA2-related conditions. Experimental studies and prediction algorithms are not available or were not evaluated, and the functional significance of this variant is currently unknown. In summary, the available evidence is currently insufficient to determine the role of this variant in disease. Therefore, it has been classified as a Variant of Uncertain Significance.